The following is an entry in ClinVar:

NM_000492.4(CFTR):c.2186A>C (p.Asp729Ala)

Gene: CFTR (CF transmembrane conductance regulator; plus strand). Cytogenetic location: 7q31.2.
Variant type: single nucleotide variant.
Coding change: c.2186A>C on transcript NM_000492.4 (MANE Select); coding-DNA position 2186, A replaced by C.
Protein change: p.Asp729Ala; replaces aspartic acid 729 with alanine.
Molecular consequence: missense variant.
Genome position (GRCh38, 1-based): chr7:117,592,353, A>C. VCF-style: chr7-117592353-A-C. GRCh37 (hg19) VCF-style: chr7-117232407-A-C.
Other names: short protein forms D729A.
Identifiers: ClinVar variation 1787332 (VCV001787332.2), dbSNP rs2485110184, ClinGen allele CA368980320.

ClinVar aggregate classification (germline): Uncertain significance (1 of 4 stars; one submission).

Conditions:
Cystic fibrosis (CF). Also called: MUCOVISCIDOSIS. Identifiers: Orphanet 586, MedGen C0010674, MONDO:0009061, OMIM 219700. Disease mechanism: loss of function.

Submission:

Ambry Genetics
Classification: Uncertain significance for Cystic fibrosis. Last evaluated: 2021-11-01. Review status: criteria provided, single submitter. Criteria: Ambry Variant Classification Scheme 2023. Collection method: clinical testing. Allele origin: germline.
Comment: The p.D729A variant (also known as c.2186A>C), located in coding exon 14 of the CFTR gene, results from an A to C substitution at nucleotide position 2186. The aspartic acid at codon 729 is replaced by alanine, an amino acid with dissimilar properties. This amino acid position is not well conserved in available vertebrate species. In addition, the in silico prediction for this alteration is inconclusive. Since supporting evidence is limited at this time, the clinical significance of this alteration remains unclear.